The following is an entry in ClinVar:

ClinVar aggregate classification (germline): Uncertain significance (1 of 4 stars; one submission).

Conditions:
Hereditary cancer-predisposing syndrome. Also called: Neoplastic Syndromes, Hereditary; Tumor predisposition; Hereditary Cancer Syndrome; Hereditary neoplastic syndrome. Identifiers: Orphanet 140162, MedGen C0027672, MeSH D009386, MONDO:0015356.

Submission:

Ambry Genetics
Classification: Uncertain significance for Hereditary cancer-predisposing syndrome. Last evaluated: 2017-02-22. Review status: criteria provided, single submitter. Criteria: Ambry Variant Classification Scheme 2023. Collection method: clinical testing. Allele origin: germline.
Comment: The p.Q1529K variant (also known as c.4585C>A), located in coding exon 15 of the APC gene, results from a C to A substitution at nucleotide position 4585. The glutamine at codon 1529 is replaced by lysine, an amino acid with similar properties. This amino acid position is not well conserved in available vertebrate species. In addition, in silico predictors for this gene do not accurately predict pathogenicity. Since supporting evidence is limited at this time, the clinical significance of this alteration remains unclear.

NM_000038.6(APC):c.4585C>A (p.Gln1529Lys)

Gene: APC (APC regulator of Wnt signaling pathway; plus strand). Cytogenetic location: 5q22.2.
Variant type: single nucleotide variant.
Coding change: c.4585C>A on transcript NM_000038.6 (MANE Select); coding-DNA position 4585, C replaced by A.
Protein change: p.Gln1529Lys; replaces glutamine 1529 with lysine.
Molecular consequence: missense variant.
Genome position (GRCh38, 1-based): chr5:112,840,179, C>A. VCF-style: chr5-112840179-C-A. GRCh37 (hg19) VCF-style: chr5-112175876-C-A.
Other names: c.4462C>A, p.Gln1488Lys (NM_001354900.2); c.4408C>A, p.Gln1470Lys (NM_001354901.2); c.4312C>A, p.Gln1438Lys (NM_001354902.2); c.4282C>A, p.Gln1428Lys (NM_001354903.2); c.4207C>A, p.Gln1403Lys (NM_001354904.2); c.4105C>A, p.Gln1369Lys (NM_001354905.2); c.3736C>A, p.Gln1246Lys (NM_001354906.2); c.4585C>A, p.Gln1529Lys (NM_001127510.3, NM_001354895.2); and 5 more; short protein forms Q1529K, Q1511K, Q1246K, Q1369K, Q1438K, Q1504K, Q1547K, Q1488K.
Identifiers: ClinVar variation 482446 (VCV000482446.5), dbSNP rs1554085992, ClinGen allele CA16031369.
Genomic context (GRCh38, chr5:112,840,179, plus strand): 5'-CTGAGCCTCGATGAGCCATTTATACAGAAAGATGTGGAATTAAGAATAATGCCTCCAGTT[C>A]AGGAAAATGACAATGGGAATGAAACAGAATCAGAGCAGCCTAAAGAATCAAATGAAAACC-3'
Protein context (NP_000029.2, residues 1519-1539): DVELRIMPPV[Gln1529Lys]ENDNGNETES